The following is an entry in ClinVar:

ClinVar aggregate classification (germline): Uncertain significance. Review status: criteria provided, multiple submitters, no conflicts (2 of 4 stars). 2 submissions from 2 submitters: Uncertain significance (2). Last evaluated 2026-08-29.

Submissions (2):

Ambry Genetics
Classification: Uncertain significance. Last evaluated: 2026-08-29. Review status: criteria provided, single submitter. Criteria: Ambry Variant Classification Scheme 2023. Collection method: clinical testing. Allele origin: germline.
Comment: The p.D514V variant (also known as c.1541A>T), located in coding exon 13 of the GEN1 gene, results from an A to T substitution at nucleotide position 1541. The aspartic acid at codon 514 is replaced by valine, an amino acid with highly dissimilar properties. This amino acid position is conserved. In addition, this alteration is predicted to be tolerated by in silico analysis. Based on the available evidence, the clinical significance of this variant remains unclear.

Labcorp Genetics (formerly Invitae), Labcorp
Classification: Uncertain significance. Last evaluated: 2024-02-02. Review status: criteria provided, single submitter. Criteria: Invitae Variant Classification Sherloc (09022015). Collection method: clinical testing. Allele origin: germline.
Comment: This sequence change replaces aspartic acid, which is acidic and polar, with valine, which is neutral and non-polar, at codon 514 of the GEN1 protein (p.Asp514Val). This variant is not present in population databases (gnomAD no frequency). This variant has not been reported in the literature in individuals affected with GEN1-related conditions. An algorithm developed to predict the effect of missense changes on protein structure and function (PolyPhen-2) suggests that this variant is likely to be tolerated. In summary, the available evidence is currently insufficient to determine the role of this variant in disease. Therefore, it has been classified as a Variant of Uncertain Significance.

NM_001130009.3(GEN1):c.1541A>T (p.Asp514Val)

Gene: GEN1 (GEN1 structure-specific endonuclease; plus strand). Cytogenetic location: 2p24.2.
Variant type: single nucleotide variant.
Coding change: c.1541A>T on transcript NM_001130009.3 (MANE Select); coding-DNA position 1541, A replaced by T.
Protein change: p.Asp514Val; replaces aspartic acid 514 with valine.
Molecular consequence: missense variant.
Genome position (GRCh38, 1-based): chr2:17,780,753, A>T. VCF-style: chr2-17780753-A-T. GRCh37 (hg19) VCF-style: chr2-17962020-A-T.
Other names: c.1541A>T (NM_001130009.1); c.1541A>T, p.Asp514Val (NM_182625.5); short protein forms D514V.
Identifiers: ClinVar variation 3713370 (VCV003713370.3).